The following is an entry in ClinVar:

NM_001854.4(COL11A1):c.4858+6T>G

Gene: COL11A1 (collagen type XI alpha 1 chain; minus strand). Cytogenetic location: 1p21.1.
Variant type: single nucleotide variant.
Coding change: c.4858+6T>G on transcript NM_001854.4 (MANE Select); 6 bases into the intron after coding-DNA position 4858, T replaced by G.
Molecular consequence: intron variant.
Genome position (GRCh38, 1-based): chr1:102,886,801, A>C on the plus strand (T>G on the coding strand, the complement: COL11A1 is on the minus strand). VCF-style: chr1-102886801-A-C. GRCh37 (hg19) VCF-style: chr1-103352357-A-C.
Other names: c.4741+6T>G (NM_001190709.2); c.4894+6T>G (NM_080629.3); c.4510+6T>G (NM_080630.4).
Identifiers: ClinVar variation 4764541 (VCV004764541.1).

ClinVar aggregate classification (germline): Uncertain significance (1 of 4 stars; one submission).

gnomAD v4.1: 2 of 1,613,842 alleles (0.00012%); highest among the groups gnomAD compares: African/African-American, 0.0027%; no homozygotes.

Submission:

Labcorp Genetics (formerly Invitae), Labcorp
Classification: Uncertain significance. Last evaluated: 2025-06-09. Review status: criteria provided, single submitter. Criteria: Invitae Variant Classification Sherloc (09022015). Collection method: clinical testing. Allele origin: germline.
Comment: This sequence change falls in intron 63 of the COL11A1 gene. It does not directly change the encoded amino acid sequence of the COL11A1 protein. It affects a nucleotide within the consensus splice site. This variant is present in population databases (rs138202640, gnomAD 0.007%). This variant has not been reported in the literature in individuals affected with COL11A1-related conditions. Variants that disrupt the consensus splice site are a relatively common cause of aberrant splicing (PMID: 17576681, 9536098). Algorithms developed to predict the effect of sequence changes on RNA splicing suggest that this variant is not likely to affect RNA splicing. In summary, the available evidence is currently insufficient to determine the role of this variant in disease. Therefore, it has been classified as a Variant of Uncertain Significance.

Literature cited by the submitters: PubMed 17576681; PubMed 9536098.